The following is an entry in ClinVar:

ClinVar aggregate classification (germline): Uncertain significance (1 of 4 stars; one submission).

Conditions:
Norman-Roberts syndrome (LIS2). Also called: Lissencephaly 2 (Norman-Roberts type). Identifiers: Orphanet 89844, MedGen C0796089, MONDO:0009760, OMIM 257320.
Familial temporal lobe epilepsy 7. Identifiers: Orphanet 101046, MedGen C4225327, MONDO:0014639, OMIM 616436.

Allele frequency attached by ClinVar (database versions not stated): ExAC 0.00001; gnomAD 0.00001; gnomAD exomes 0.00002; TOPMed 0.00002.
gnomAD v4.1: 56 of 1,614,016 alleles (0.0035%); highest among the groups gnomAD compares: Non-Finnish European, 0.0047%; no homozygotes.

Submission:

Labcorp Genetics (formerly Invitae), Labcorp
Classification: Uncertain significance for Familial temporal lobe epilepsy 7; Norman-Roberts syndrome. Last evaluated: 2025-09-24. Review status: criteria provided, single submitter. Criteria: Invitae Variant Classification Sherloc (09022015). Collection method: clinical testing. Allele origin: germline.
Comment: This sequence change replaces serine, which is neutral and polar, with arginine, which is basic and polar, at codon 1392 of the RELN protein (p.Ser1392Arg). This variant is present in population databases (rs765007573, gnomAD 0.003%). This variant has not been reported in the literature in individuals affected with RELN-related conditions. ClinVar contains an entry for this variant (Variation ID: 1363959). Invitae Evidence Modeling of protein sequence and biophysical properties (such as structural, functional, and spatial information, amino acid conservation, physicochemical variation, residue mobility, and thermodynamic stability) indicates that this missense variant is not expected to disrupt RELN protein function with a negative predictive value of 80%. In summary, the available evidence is currently insufficient to determine the role of this variant in disease. Therefore, it has been classified as a Variant of Uncertain Significance.

NM_005045.4(RELN):c.4176C>A (p.Ser1392Arg)

Gene: RELN (reelin; minus strand). Cytogenetic location: 7q22.1.
Variant type: single nucleotide variant.
Coding change: c.4176C>A on transcript NM_005045.4 (MANE Select); coding-DNA position 4176, C replaced by A.
Protein change: p.Ser1392Arg; replaces serine 1392 with arginine.
Molecular consequence: missense variant.
Genome position (GRCh38, 1-based): chr7:103,575,675, G>T on the plus strand (C>A on the coding strand, the complement: RELN is on the minus strand). VCF-style: chr7-103575675-G-T. GRCh37 (hg19) VCF-style: chr7-103216122-G-T.
Other names: c.4176C>A, p.Ser1392Arg (NM_173054.3); short protein forms S1392R.
Identifiers: ClinVar variation 1363959 (VCV001363959.6), dbSNP rs765007573, ClinGen allele CA4421578.